The following is an entry in ClinVar:

NM_001430.5(EPAS1):c.994C>G (p.Leu332Val)

Gene: EPAS1 (endothelial PAS domain protein 1; plus strand). Cytogenetic location: 2p21.
Variant type: single nucleotide variant.
Coding change: c.994C>G on transcript NM_001430.5 (MANE Select); coding-DNA position 994, C replaced by G.
Protein change: p.Leu332Val; replaces leucine 332 with valine.
Molecular consequence: missense variant.
Genome position (GRCh38, 1-based): chr2:46,375,797, C>G. VCF-style: chr2-46375797-C-G. GRCh37 (hg19) VCF-style: chr2-46602936-C-G.
Other names: short protein forms L332V.
Identifiers: ClinVar variation 1768692 (VCV001768692.3), dbSNP rs1236229465, ClinGen allele CA346702925.

ClinVar aggregate classification (germline): Uncertain significance (1 of 4 stars; one submission).

Conditions:
Inborn genetic diseases. Identifiers: MedGen C0950123, MeSH D030342.

Allele frequency attached by ClinVar (database versions not stated): gnomAD exomes below 0.00001; gnomAD 0.00001; TOPMed 0.00001.
gnomAD v4.1: 5 of 1,614,120 alleles (0.00031%); highest among the groups gnomAD compares: South Asian, 0.0033%; no homozygotes.

Submission:

Ambry Genetics
Classification: Uncertain significance for Inborn genetic diseases. Last evaluated: 2024-05-05. Review status: criteria provided, single submitter. Criteria: Ambry Variant Classification Scheme 2023. Collection method: clinical testing. Allele origin: germline.
Comment: The p.L332V variant (also known as c.994C>G), located in coding exon 8 of the EPAS1 gene, results from a C to G substitution at nucleotide position 994. The leucine at codon 332 is replaced by valine, an amino acid with highly similar properties. This amino acid position is conserved. In addition, this alteration is predicted to be tolerated by in silico analysis. Since supporting evidence is limited at this time, the clinical significance of this alteration remains unclear.